The following is an entry in ClinVar:

ClinVar aggregate classification (germline): Pathogenic/Likely pathogenic. Review status: criteria provided, multiple submitters, no conflicts (2 of 4 stars). 2 submissions from 2 submitters: Pathogenic (1); Likely pathogenic (1). Last evaluated 2021-11-16.

Conditions:
Hypotrichosis 7 (HYPT7). Also called: HYPOTRICHOSIS, LOCALIZED, AUTOSOMAL RECESSIVE 2; HYPOTRICHOSIS, AUTOSOMAL RECESSIVE. Identifiers: Orphanet 55654, MedGen C1836672, MONDO:0011452, OMIM 604379.

Allele frequency attached by ClinVar (database versions not stated): gnomAD 0.00001; ExAC 0.00002; TOPMed 0.00002; gnomAD exomes 0.00003 and 0.00004.

Submissions (2):

Revvity Omics, Revvity
Classification: Likely pathogenic for Hypotrichosis 7. Last evaluated: 2021-11-16. Review status: criteria provided, single submitter. Criteria: ACMG Guidelines, 2015. Collection method: clinical testing. Allele origin: germline.

GeneDx
Classification: Pathogenic. Last evaluated: 2018-07-12. Review status: criteria provided, single submitter. Criteria: GeneDx Variant Classification (06012015). Collection method: clinical testing. Allele origin: germline. Affected: yes.
Comment: The R110X pathogenic variant in the LIPH gene has been reported previously in association with hypotrichosis, in an affected individual who was homozygous for the R110X variant (Mehmood et al., 2015). This variant is predicted to cause loss of normal protein function either through protein truncation or nonsense-mediated mRNA decay. The R110X variant was not observed in approximately 6,500 individuals of European and African American ancestry in the NHLBI Exome Sequencing Project, indicating it is not a common benign variant in these populations. We interpret R110X as a pathogenic variant.

NM_139248.3(LIPH):c.328C>T (p.Arg110Ter)

Gene: LIPH (lipase H; minus strand). Cytogenetic location: 3q27.2.
Variant type: single nucleotide variant.
Coding change: c.328C>T on transcript NM_139248.3 (MANE Select); coding-DNA position 328, C replaced by T.
Protein change: p.Arg110Ter; replaces arginine 110 with a stop codon.
Molecular consequence: nonsense.
Genome position (GRCh38, 1-based): chr3:185,534,854, G>A on the plus strand (C>T on the coding strand, the complement: LIPH is on the minus strand). VCF-style: chr3-185534854-G-A. GRCh37 (hg19) VCF-style: chr3-185252642-G-A.
Other names: short protein forms R110*.
Identifiers: ClinVar variation 280138 (VCV000280138.5), dbSNP rs768448663, ClinGen allele CA2740662.
Genomic context (GRCh38, chr3:185,534,854, plus strand): 5'-CCATGGCTACTTTTCTGGTCTTACTAGAGGCATGGGTATATATTAAAGTTGTAGCTCCTC[G>A]ATTCCAATCAACAACAACTACGTTCATGTCTTCAACAGAGAGCAAACCCTTTACTAAGTC-3'